The following is an entry in ClinVar:

ClinVar aggregate classification (germline): Benign/Likely benign. Review status: criteria provided, multiple submitters, no conflicts (2 of 4 stars). 5 submissions from 5 submitters: Benign (1); Likely benign (4). Last evaluated 2026-01-01.

Conditions:
Hypercholesterolemia, autosomal dominant, type B (FHCL2). Also called: Familial Hypercholesterolemia Type B; Hyperlipoproteinemia Type IIb; Familial hypercholesterolemia 2; APOB-Related Familial Hypercholesterolemia, Autosomal Dominant; APOLIPOPROTEIN B-100, FAMILIAL DEFECTIVE; APOLIPOPROTEIN B-100, FAMILIAL LIGAND-DEFECTIVE. Identifiers: MedGen C1704417, MONDO:0007751, OMIM 144010.
Familial hypobetalipoproteinemia 1. Also called: APOB-Related Familial Hypobetalipoproteinemia; Hypobetalipoproteinemia, normotriglyceridemic; Acanthocytosis with hypobetalipoproteinemia. Identifiers: MedGen C4551990, MONDO:0014252, OMIM 615558.
APOB-related disorder. Also called: APOB-related condition; APOB-related disorders.
Cardiovascular phenotype. Identifiers: MedGen CN230736.
Familial hypercholesterolemia. Also called: Familial hypercholesterolaemia; Familial hypercholesterolemias. Identifiers: MedGen C0020445, MONDO:0005439.

Allele frequency attached by ClinVar (database versions not stated): gnomAD below 0.00001 and 0.00004; TOPMed 0.00001; gnomAD exomes 0.00012 and 0.00026; ExAC 0.00029; 1000 Genomes Project 30x 0.00047; 1000 Genomes Project 0.00060.
gnomAD v4.1: 174 of 1,614,098 alleles (0.011%); highest among the groups gnomAD compares: South Asian, 0.18%; 2 homozygotes.

Submissions (5):

CeGaT Center for Human Genetics Tuebingen
Classification: Likely benign. Last evaluated: 2026-01-01. Review status: criteria provided, single submitter. Criteria: CeGaT Center For Human Genetics Tuebingen Variant Classification Criteria Version 2. Collection method: clinical testing. Allele origin: germline. Affected: yes. Observed: 1 variant allele.
Comment: APOB: BP4, BP7

Labcorp Genetics (formerly Invitae), Labcorp
Classification: Benign for Familial hypobetalipoproteinemia 1; Hypercholesterolemia, autosomal dominant, type B. Last evaluated: 2025-02-05. Review status: criteria provided, single submitter. Criteria: Invitae Variant Classification Sherloc (09022015). Collection method: clinical testing. Allele origin: germline.

PreventionGenetics, part of Exact Sciences
Classification: Likely benign for APOB-related condition. Last evaluated: 2024-10-28. Review status: criteria provided, single submitter. Criteria: ACMG Guidelines, 2015. Collection method: clinical testing. Allele origin: germline.
Comment: This variant is classified as likely benign based on ACMG/AMP sequence variant interpretation guidelines (Richards et al. 2015 PMID: 25741868, with internal and published modifications).

GENinCode PLC
Classification: Likely benign for Familial hypercholesterolemia. Last evaluated: 2024-05-01. Review status: criteria provided, single submitter. Criteria: ACMG Guidelines, 2015. Collection method: clinical testing. Allele origin: germline.
Comment: This is a synonymous (silent) variant that is not predicted by SpliceAI to impact splicing. In addition, it occurs at a nucleotide that is not conserved. Therefore this variant has been classified as Likely Benign (BP4, BP7).

Ambry Genetics
Classification: Likely benign for Cardiovascular phenotype. Last evaluated: 2020-03-12. Review status: criteria provided, single submitter. Criteria: Ambry Variant Classification Scheme 2023. Collection method: clinical testing. Allele origin: germline.

NM_000384.3(APOB):c.1794C>T (p.Ala598=)

Gene: APOB (apolipoprotein B; minus strand). Cytogenetic location: 2p24.1.
Variant type: single nucleotide variant.
Coding change: c.1794C>T on transcript NM_000384.3 (MANE Select); coding-DNA position 1794, C replaced by T.
Protein change: p.Ala598=; no amino-acid change (alanine 598 retained).
Molecular consequence: synonymous variant.
Genome position (GRCh38, 1-based): chr2:21,028,362, G>A on the plus strand (C>T on the coding strand, the complement: APOB is on the minus strand). VCF-style: chr2-21028362-G-A. GRCh37 (hg19) VCF-style: chr2-21251234-G-A.
Identifiers: ClinVar variation 630519 (VCV000630519.33), dbSNP rs543224958, ClinGen allele CA054568.